The following is an entry in ClinVar:

ClinVar aggregate classification (germline): Uncertain significance. Review status: criteria provided, multiple submitters, no conflicts (2 of 4 stars). 3 submissions from 3 submitters: Uncertain significance (3). Last evaluated 2025-12-08.

Conditions:
Hereditary cancer-predisposing syndrome. Also called: Tumor predisposition; Hereditary Cancer Syndrome; Neoplastic Syndromes, Hereditary; Hereditary neoplastic syndrome. Identifiers: Orphanet 140162, MedGen C0027672, MeSH D009386, MONDO:0015356.
Familial cancer of breast. Also called: BREAST CANCER, FAMILIAL; Hereditary breast cancer; hereditary breast carcinoma. Identifiers: Orphanet 227535, MedGen C0346153, MONDO:0016419, OMIM 114480. Disease mechanism: loss of function.

Submissions (3):

Color Diagnostics, LLC DBA Color Health
Classification: Uncertain significance for Hereditary cancer-predisposing syndrome. Last evaluated: 2025-12-08. Review status: criteria provided, single submitter. Criteria: ACMG Guidelines, 2015. Collection method: clinical testing. Allele origin: germline.
Comment: This missense variant replaces valine with leucine at codon 858 of the PALB2 protein. This is a missense variant in a gene for which primarily truncating variants are known to cause disease. Computational prediction suggests that this variant may not impact protein structure and function. To our knowledge, functional studies have not been reported for this variant. This variant has not been reported in individuals affected with PALB2-related disorders in the literature. This variant has not been identified in the general population by the Genome Aggregation Database (gnomAD). The available evidence is insufficient to determine the role of this variant in disease conclusively. Therefore, this variant is classified as a Variant of Uncertain Significance.

Labcorp Genetics (formerly Invitae), Labcorp
Classification: Uncertain significance for Familial cancer of breast. Last evaluated: 2025-06-15. Review status: criteria provided, single submitter. Criteria: Invitae Variant Classification Sherloc (09022015). Collection method: clinical testing. Allele origin: germline.
Comment: This sequence change replaces valine, which is neutral and non-polar, with leucine, which is neutral and non-polar, at codon 858 of the PALB2 protein (p.Val858Leu). This variant is not present in population databases (gnomAD no frequency). This variant has not been reported in the literature in individuals affected with PALB2-related conditions. ClinVar contains an entry for this variant (Variation ID: 821507). Invitae Evidence Modeling of protein sequence and biophysical properties (such as structural, functional, and spatial information, amino acid conservation, physicochemical variation, residue mobility, and thermodynamic stability) has been performed for this missense variant. However, the output from this modeling did not meet the statistical confidence thresholds required to predict the impact of this variant on PALB2 protein function. In summary, the available evidence is currently insufficient to determine the role of this variant in disease. Therefore, it has been classified as a Variant of Uncertain Significance.

Ambry Genetics
Classification: Uncertain significance for Hereditary cancer-predisposing syndrome. Last evaluated: 2024-09-05. Review status: criteria provided, single submitter. Criteria: Ambry Variant Classification Scheme 2023. Collection method: clinical testing. Allele origin: germline.
Comment: The p.V858L variant (also known as c.2572G>C), located in coding exon 6 of the PALB2 gene, results from a G to C substitution at nucleotide position 2572. The valine at codon 858 is replaced by leucine, an amino acid with highly similar properties. This amino acid position is well conserved in available vertebrate species. In addition, this alteration is predicted to be tolerated by in silico analysis. Since supporting evidence is limited at this time, the clinical significance of this alteration remains unclear.

NM_024675.4(PALB2):c.2572G>C (p.Val858Leu)

Gene: PALB2 (partner and localizer of BRCA2; minus strand). Cytogenetic location: 16p12.2.
Variant type: single nucleotide variant.
Coding change: c.2572G>C on transcript NM_024675.4 (MANE Select); coding-DNA position 2572, G replaced by C.
Protein change: p.Val858Leu; replaces valine 858 with leucine.
Molecular consequence: missense variant.
Genome position (GRCh38, 1-based): chr16:23,629,218, C>G on the plus strand (G>C on the coding strand, the complement: PALB2 is on the minus strand). VCF-style: chr16-23629218-C-G. GRCh37 (hg19) VCF-style: chr16-23640539-C-G.
Other names: short protein forms V858L.
Identifiers: ClinVar variation 821507 (VCV000821507.13), dbSNP rs1597088111, ClinGen allele CA395123694.